The following is an entry in ClinVar:

NM_019098.5(CNGB3):c.1579-5T>C

Gene: CNGB3 (cyclic nucleotide gated channel subunit beta 3; minus strand). Cytogenetic location: 8q21.3.
Variant type: single nucleotide variant.
Coding change: c.1579-5T>C on transcript NM_019098.5 (MANE Select); 5 bases into the intron before coding-DNA position 1579, T replaced by C.
Molecular consequence: intron variant.
Genome position (GRCh38, 1-based): chr8:86,611,676, A>G on the plus strand (T>C on the coding strand, the complement: CNGB3 is on the minus strand). VCF-style: chr8-86611676-A-G. GRCh37 (hg19) VCF-style: chr8-87623904-A-G.
Other names: c.1579-5T>C (NM_019098.4).
Identifiers: ClinVar variation 1078360 (VCV001078360.10), dbSNP rs770018514, ClinGen allele CA180330843.
Genomic context (GRCh38, chr8:86,611,676, plus strand): 5'-TAGAGAACGGATTTCAATCTTAGCAACATGTCATAAATCATCTGTGTATCACAACCCTAT[A>G]TAAAAAGAAAAATAATTCTTATAGAAACAACTAAAGGCCAATATTCCAAATGAATTCAAA-3'

ClinVar aggregate classification (germline): Likely benign. Review status: criteria provided, multiple submitters, no conflicts (2 of 4 stars). 2 submissions from 2 submitters: Likely benign (2). Last evaluated 2026-09-26.

Conditions:
CNGB3-related disorder. Also called: CNGB3-related disorders; CNGB3-related condition. Identifiers: MedGen CN239340.

Allele frequency attached by ClinVar (database versions not stated): gnomAD exomes 0.00002 and 0.00006; gnomAD 0.00005; TOPMed 0.00005.

Submissions (2):

PreventionGenetics, part of Exact Sciences
Classification: Likely benign for CNGB3-related condition. Last evaluated: 2026-09-26. Review status: criteria provided, single submitter. Criteria: ACMG Guidelines, 2015. Collection method: clinical testing. Allele origin: germline.
Comment: This variant is classified as likely benign based on ACMG/AMP sequence variant interpretation guidelines (Richards et al. 2015 PMID: 25741868, with internal and published modifications).

Labcorp Genetics (formerly Invitae), Labcorp
Classification: Likely benign. Last evaluated: 2025-11-16. Review status: criteria provided, single submitter. Criteria: Invitae Variant Classification Sherloc (09022015). Collection method: clinical testing. Allele origin: germline.